The following is an entry in ClinVar:

ClinVar aggregate classification (germline): Conflicting classifications of pathogenicity. Review status: criteria provided, conflicting classifications (1 of 4 stars). 6 submissions from 6 submitters: Likely pathogenic (3); Uncertain significance (3). Last evaluated 2026-02-26.

Conditions:
Autosomal recessive inherited pseudoxanthoma elasticum (PXE). Identifiers: Orphanet 758, MedGen CN032334, MONDO:0009925, OMIM 264800.
Arterial calcification, generalized, of infancy, 2. Identifiers: Orphanet 51608, MedGen C3276161, MONDO:0013768, OMIM 614473.
ABCC6-related disorder. Also called: ABCC6-related condition.
Pseudoxanthoma elasticum, forme fruste. Also called: Pseudoxanthoma Elasticum, Incomplete; PSEUDOXANTHOMA ELASTICUM, HETEROZYGOUS. Identifiers: Orphanet 758, MedGen C1867450, MONDO:0008333, OMIM 177850.

Allele frequency attached by ClinVar (database versions not stated): gnomAD 0.00004; ExAC 0.00005; gnomAD exomes 0.00005; TOPMed 0.00006; ESP Exome Variant Server 0.00008.
gnomAD v4.1: 73 of 1,613,994 alleles (0.0045%); highest among the groups gnomAD compares: African/African-American, 0.011%; no homozygotes.

Submissions (6):

Medical Genetics Clinic, University of Catania
Classification: Likely pathogenic for Arterial calcification, generalized, of infancy, 2; Autosomal recessive inherited pseudoxanthoma elasticum; Pseudoxanthoma elasticum, forme fruste. Last evaluated: 2026-02-26. Review status: criteria provided, single submitter. Criteria: ACMG Guidelines, 2015. Collection method: clinical testing. Allele origin: de novo. Inheritance: Autosomal dominant inheritance. Observed: 1 variant allele, 1 heterozygote.
Comment: The c.3704G>A variant in the ABCC6 gene causes the substitution of an arginine, which is basic and polar, with glutamine, which is neutral and polar, at position 1235 (p.Arg1235Gln). It is a missense variant impacting exon 26 of ABCC6 and it has been observed in the general population with a gnomAD frequency of 0.004500%, with no homozygous individuals reported. In silico prediction tools suggest a detrimental effect on the structure/activity of the protein (Polyphen2: probably damaging, CADD:33, Revel: 0,873). In the light of the above the c.3704G>A variant in the ABCC6 gene has been classified as a Likely Pathogenic variant (PM1, PM2, PM5, PM6, PP3, PP5).

Labcorp Genetics (formerly Invitae), Labcorp
Classification: Likely pathogenic. Last evaluated: 2025-12-23. Review status: criteria provided, single submitter. Criteria: Invitae Variant Classification Sherloc (09022015). Collection method: clinical testing. Allele origin: germline.
Comment: This sequence change replaces arginine, which is basic and polar, with glutamine, which is neutral and polar, at codon 1235 of the ABCC6 protein (p.Arg1235Gln). This variant is present in population databases (rs138700741, gnomAD 0.006%). This variant has not been reported in the literature in individuals affected with ABCC6-related conditions. ClinVar contains an entry for this variant (Variation ID: 1512213). Invitae Evidence Modeling of protein sequence and biophysical properties (such as structural, functional, and spatial information, amino acid conservation, physicochemical variation, residue mobility, and thermodynamic stability) indicates that this missense variant is expected to disrupt ABCC6 protein function with a positive predictive value of 95%. This variant disrupts the p.Arg1235 amino acid residue in ABCC6. Other variant(s) that disrupt this residue have been determined to be pathogenic (PMID: 16086317, 30328268). This suggests that this residue is clinically significant, and that variants that disrupt this residue are likely to be disease-causing. In summary, the currently available evidence indicates that the variant is pathogenic, but additional data are needed to prove that conclusively. Therefore, this variant has been classified as Likely Pathogenic.

PreventionGenetics, part of Exact Sciences
Classification: Uncertain significance for ABCC6-related condition. Last evaluated: 2025-12-05. Review status: criteria provided, single submitter. Criteria: ACMG Guidelines, 2015. Collection method: clinical testing. Allele origin: germline.
Comment: The ABCC6 c.3704G>A variant is predicted to result in the amino acid substitution p.Arg1235Gln. To our knowledge, this variant has not been reported in the literature. However, a variant affecting the same amino acid, p.Arg1235Trp, has been reported in multiple individuals with autosomal recessive pseudoxanthoma elasticum (see for example, Table 1, Miksch et al. 2005. PubMed ID: 16086317; Figure1, Sun et al. 2018. PubMed ID: 30328268; Table 3, Kim et al. 2021. PubMed ID: 33946315). This variant is reported in 0.0056% of alleles in individuals of Latino descent in gnomAD. Although we suspect that this variant may be pathogenic, at this time, the clinical significance of this variant is uncertain due to the absence of conclusive functional and genetic evidence.

First Genomix Gene Laboratory, Genetic Diagnostics Department
Classification: Likely pathogenic for Arterial calcification, generalized, of infancy, 2; Autosomal recessive inherited pseudoxanthoma elasticum. Last evaluated: 2025-09-23. Review status: criteria provided, single submitter. Criteria: ACMG Guidelines, 2015. Collection method: clinical testing. Allele origin: germline. Inheritance: Autosomal recessive inheritance. Affected: no. Observed: 1 variant allele.

Blueprint Genetics
Classification: Uncertain significance. Last evaluated: 2024-09-09. Review status: criteria provided, single submitter. Criteria: ACMG Guidelines, 2015. Collection method: clinical testing. Allele origin: germline.

Fulgent Genetics
Classification: Uncertain significance for Pseudoxanthoma elasticum, forme fruste; Autosomal recessive inherited pseudoxanthoma elasticum; Arterial calcification, generalized, of infancy, 2. Last evaluated: 2024-06-11. Review status: criteria provided, single submitter. Criteria: ACMG Guidelines, 2015. Collection method: clinical testing. Allele origin: germline.

Literature cited by the submitters: PubMed 16086317 (cited by Labcorp Genetics (formerly Invitae), Labcorp); PubMed 30328268 (cited by Labcorp Genetics (formerly Invitae), Labcorp).

NM_001171.6(ABCC6):c.3704G>A (p.Arg1235Gln)

Gene: ABCC6 (ATP binding cassette subfamily C member 6; minus strand). Cytogenetic location: 16p13.11.
Variant type: single nucleotide variant.
Coding change: c.3704G>A on transcript NM_001171.6 (MANE Select); coding-DNA position 3704, G replaced by A.
Protein change: p.Arg1235Gln; replaces arginine 1235 with glutamine.
Molecular consequence: missense variant. On other transcripts: non-coding transcript variant (1).
Genome position (GRCh38, 1-based): chr16:16,159,513, C>T on the plus strand (G>A on the coding strand, the complement: ABCC6 is on the minus strand). VCF-style: chr16-16159513-C-T. GRCh37 (hg19) VCF-style: chr16-16253370-C-T.
Other names: p.(Arg1235Gln); c.3704G>A (NM_001171.5); c.3362G>A, p.Arg1121Gln (NM_001351800.1); short protein forms R1121Q, R1235Q.
Identifiers: ClinVar variation 1512213 (VCV001512213.10), dbSNP rs138700741, ClinGen allele CA7925479.
Genomic context (GRCh38, chr16:16,159,513, plus strand): 5'-GGACCCCCTCCCCACCTCCCGCCCATCACCTCCTTGGGCGTCCAGGCATAGTCCTGCATC[C>T]GCTCCACTGACACGATGCTGTTCTCTAGGTCTGTCCAGTTGCGAACAACCCACTGCAGTG-3'
Protein context (NP_001162.5, residues 1225-1245): DLENSIVSVE[Arg1235Gln]MQDYAWTPKE